The following is an entry in ClinVar:

ClinVar aggregate classification (germline): Likely pathogenic (1 of 4 stars; one submission).

Conditions:
Epilepsy, X-linked 1, with variable learning disabilities and behavior disorders. Also called: X-linked epilepsy-learning disabilities-behavior disorders syndrome. Identifiers: Orphanet 85294, MedGen C5774177, MONDO:0010339, OMIM 300491.

Submission:

Labcorp Genetics (formerly Invitae), Labcorp
Classification: Likely pathogenic for Epilepsy, X-linked 1, with variable learning disabilities and behavior disorders. Last evaluated: 2025-03-29. Review status: criteria provided, single submitter. Criteria: Invitae Variant Classification Sherloc (09022015). Collection method: clinical testing. Allele origin: germline.
Comment: This sequence change affects a donor splice site in intron 9 of the SYN1 gene. It is expected to disrupt RNA splicing. Variants that disrupt the donor or acceptor splice site typically lead to a loss of protein function (PMID: 16199547), and loss-of-function variants in SYN1 are known to be pathogenic (PMID: 14985377, 21441247). This variant is not present in population databases (gnomAD no frequency). This variant has not been reported in the literature in individuals affected with SYN1-related conditions. Algorithms developed to predict the effect of sequence changes on RNA splicing suggest that this variant may disrupt the consensus splice site. In summary, the currently available evidence indicates that the variant is pathogenic, but additional data are needed to prove that conclusively. Therefore, this variant has been classified as Likely Pathogenic.

Literature cited by the submitters: PubMed 16199547; PubMed 14985377; PubMed 21441247.

NM_006950.3(SYN1):c.1158+1G>A

Gene: SYN1 (synapsin I; minus strand). Cytogenetic location: Xp11.3.
Variant type: single nucleotide variant.
Coding change: c.1158+1G>A on transcript NM_006950.3 (MANE Select); the canonical splice donor site of the intron after coding-DNA position 1158, G replaced by A.
Molecular consequence: splice donor variant.
Genome position (GRCh38, 1-based): chrX:47,576,130, C>T on the plus strand (G>A on the coding strand, the complement: SYN1 is on the minus strand). VCF-style: chrX-47576130-C-T. GRCh37 (hg19) VCF-style: chrX-47435529-C-T.
Other names: c.1158+1G>A (NM_133499.2).
Identifiers: ClinVar variation 4716241 (VCV004716241.1).